The following is an entry in ClinVar:

NM_005120.3(MED12):c.5374C>T (p.Arg1792Cys)

Gene: MED12 (mediator complex subunit 12; plus strand). Cytogenetic location: Xq13.1.
Variant type: single nucleotide variant.
Coding change: c.5374C>T on transcript NM_005120.3 (MANE Select); coding-DNA position 5374, C replaced by T.
Protein change: p.Arg1792Cys; replaces arginine 1792 with cysteine.
Molecular consequence: missense variant.
Genome position (GRCh38, 1-based): chrX:71,136,629, C>T. VCF-style: chrX-71136629-C-T. GRCh37 (hg19) VCF-style: chrX-70356479-C-T.
Other names: short protein forms R1792C.
Identifiers: ClinVar variation 3871937 (VCV003871937.1).

ClinVar aggregate classification (germline): Uncertain significance (1 of 4 stars; one submission).

Conditions:
Familial thoracic aortic aneurysm and aortic dissection (TAAD). Also called: Thoracic aortic aneurysms and dissections. Identifiers: Orphanet 91387, MedGen C4707243, MONDO:0019625.

Submission:

Ambry Genetics
Classification: Uncertain significance for Familial thoracic aortic aneurysm and aortic dissection. Last evaluated: 2024-12-28. Review status: criteria provided, single submitter. Criteria: Ambry Variant Classification Scheme 2023. Collection method: clinical testing. Allele origin: germline.
Comment: The p.R1792C variant (also known as c.5374C>T), located in coding exon 37 of the MED12 gene, results from a C to T substitution at nucleotide position 5374. The arginine at codon 1792 is replaced by cysteine, an amino acid with highly dissimilar properties. This amino acid position is conserved. In addition, this alteration is predicted to be tolerated by in silico analysis. Based on the available evidence, the clinical significance of this variant remains unclear.